The following is an entry in ClinVar:

NC_000023.10:g.(?_132670132)_(132888223_?)del

Gene: GPC3 (glypican 3; minus strand). Cytogenetic location: Xq26.2.
Variant type: Deletion.
Identifiers: ClinVar variation 832421 (VCV000832421.1).

ClinVar aggregate classification (germline): Pathogenic (1 of 4 stars; one submission).

Conditions:
Wilms tumor 1 (WT1). Also called: Wilms tumor, somatic. Identifiers: Orphanet 654, MedGen CN033288, MONDO:0008679, OMIM 194070.

Submission:

Labcorp Genetics (formerly Invitae), Labcorp
Classification: Pathogenic for Wilms tumor 1. Last evaluated: 2019-09-21. Review status: criteria provided, single submitter. Criteria: Invitae Variant Classification Sherloc (09022015). Collection method: clinical testing. Allele origin: germline.
Comment: This variant is a gross deletion of the genomic region encompassing exons 3-8 of the GPC3 gene. The 5' boundary is likely confined to intron 2. The 3' end of this event is unknown as it extends through the termination codon beyond the assayed region for this gene and may encompass additional genes. While this deletion is not anticipated to result in nonsense mediated decay, it is expected to create a truncated protein product or disrupt mRNA translation. A similar copy number variant has been observed in an individual affected with Simpson-Golabi-Behmel syndrome (PMID: 8958336). Sub-genic deletion of exons 6-8 has been determined to be pathogenic (PMID: 8589713). Therefore, deletions that fully encompass that region are also expected to be pathogenic. For these reasons, this variant has been classified as Pathogenic.

Literature cited by the submitters: PubMed 8958336; PubMed 8589713.